The following is an entry in ClinVar:

ClinVar aggregate classification (germline): Uncertain significance (1 of 4 stars; one submission).

Conditions:
Developmental and epileptic encephalopathy, 34 (DEE34). Also called: SLC12A5-Related Epilepsy of Infancy with Migrating Focal Seizures; Early infantile epileptic encephalopathy 34. Identifiers: Orphanet 293181, MedGen C4225257, MONDO:0014718, OMIM 616645.

Submission:

Labcorp Genetics (formerly Invitae), Labcorp
Classification: Uncertain significance for Developmental and epileptic encephalopathy, 34. Last evaluated: 2022-04-13. Review status: criteria provided, single submitter. Criteria: Invitae Variant Classification Sherloc (09022015). Collection method: clinical testing. Allele origin: germline.
Comment: In summary, the available evidence is currently insufficient to determine the role of this variant in disease. Therefore, it has been classified as a Variant of Uncertain Significance. Advanced modeling of protein sequence and biophysical properties (such as structural, functional, and spatial information, amino acid conservation, physicochemical variation, residue mobility, and thermodynamic stability) performed at Invitae indicates that this missense variant is not expected to disrupt SLC12A5 protein function. This variant has not been reported in the literature in individuals affected with SLC12A5-related conditions. This variant is not present in population databases (gnomAD no frequency). This sequence change replaces alanine, which is neutral and non-polar, with threonine, which is neutral and polar, at codon 219 of the SLC12A5 protein (p.Ala219Thr).

NM_020708.5(SLC12A5):c.655G>A (p.Ala219Thr)

Gene: SLC12A5 (solute carrier family 12 member 5; plus strand). Cytogenetic location: 20q13.12.
Variant type: single nucleotide variant.
Coding change: c.655G>A on transcript NM_020708.5 (MANE Select); coding-DNA position 655, G replaced by A.
Protein change: p.Ala219Thr; replaces alanine 219 with threonine.
Molecular consequence: missense variant.
Genome position (GRCh38, 1-based): chr20:46,040,415, G>A. VCF-style: chr20-46040415-G-A. GRCh37 (hg19) VCF-style: chr20-44669054-G-A.
Other names: c.724G>A, p.Ala242Thr (NM_001134771.2); short protein forms A242T, A219T.
Identifiers: ClinVar variation 2087078 (VCV002087078.4), dbSNP rs2515637487, ClinGen allele CA409189673.
Genomic context (GRCh38, chr20:46,040,415, plus strand): 5'-CCTGCCCCTTTCCCACAGGCTTACCTCTTCCCAGCCATGGCCATCTTCAAGGCAGAAGAT[G>A]CCAGTGGGGAGGCAGCAGCCATGCTGAACAACATGCGTGTTTACGGCACCTGTGTGCTCA-3'
Protein context (NP_065759.1, residues 209-229): PAMAIFKAED[Ala219Thr]SGEAAAMLNN